The following is an entry in ClinVar:

NM_022489.4(INF2):c.2944A>G (p.Lys982Glu)

Gene: INF2 (inverted formin 2; plus strand). Cytogenetic location: 14q32.33.
Variant type: single nucleotide variant.
Coding change: c.2944A>G on transcript NM_022489.4 (MANE Select); coding-DNA position 2944, A replaced by G.
Protein change: p.Lys982Glu; replaces lysine 982 with glutamic acid.
Molecular consequence: missense variant.
Genome position (GRCh38, 1-based): chr14:104,713,510, A>G. VCF-style: chr14-104713510-A-G. GRCh37 (hg19) VCF-style: chr14-105179847-A-G.
Other names: c.2944A>G, p.Lys982Glu (NM_001031714.4); short protein forms K982E.
Identifiers: ClinVar variation 1716667 (VCV001716667.6), dbSNP rs752183775, ClinGen allele CA7373134.

ClinVar aggregate classification (germline): Uncertain significance. Review status: criteria provided, multiple submitters, no conflicts (2 of 4 stars). 2 submissions from 2 submitters: Uncertain significance (2). Last evaluated 2024-03-21.

Conditions:
Focal segmental glomerulosclerosis 5 (FSGS5). Identifiers: Orphanet 656, MedGen C2750475, MONDO:0013191, OMIM 613237.
Charcot-Marie-Tooth disease dominant intermediate E. Also called: CHARCOT-MARIE-TOOTH NEUROPATHY WITH FOCAL SEGMENTAL GLOMERULONEPHRITIS. Identifiers: Orphanet 93114, MedGen C4302667, MONDO:0013758, OMIM 614455.

Allele frequency attached by ClinVar (database versions not stated): ExAC 0.00001.

Submissions (2):

Fulgent Genetics
Classification: Uncertain significance for Focal segmental glomerulosclerosis 5; Charcot-Marie-Tooth disease dominant intermediate E. Last evaluated: 2024-03-21. Review status: criteria provided, single submitter. Criteria: ACMG Guidelines, 2015. Collection method: clinical testing. Allele origin: germline.

Labcorp Genetics (formerly Invitae), Labcorp
Classification: Uncertain significance for Charcot-Marie-Tooth disease dominant intermediate E; Focal segmental glomerulosclerosis 5. Last evaluated: 2022-08-18. Review status: criteria provided, single submitter. Criteria: Invitae Variant Classification Sherloc (09022015). Collection method: clinical testing. Allele origin: germline.
Comment: Algorithms developed to predict the effect of missense changes on protein structure and function are either unavailable or do not agree on the potential impact of this missense change (SIFT: "Deleterious"; PolyPhen-2: "Not Available"; Align-GVGD: "Class C0"). In summary, the available evidence is currently insufficient to determine the role of this variant in disease. Therefore, it has been classified as a Variant of Uncertain Significance. This variant has not been reported in the literature in individuals affected with INF2-related conditions. This sequence change replaces lysine, which is basic and polar, with glutamic acid, which is acidic and polar, at codon 982 of the INF2 protein (p.Lys982Glu). This variant is present in population databases (rs752183775, gnomAD 0.0009%).